The following is an entry in ClinVar:

ClinVar aggregate classification (germline): Conflicting classifications of pathogenicity. Review status: criteria provided, conflicting classifications (1 of 4 stars). 7 submissions from 7 submitters: Uncertain significance (1); Likely benign (3). 3 of the submissions do not count toward it. Last evaluated 2026-01-26.

Conditions:
Leigh syndrome (NULS). Also called: Subacute necrotizing encephalopathy; Necrotizing encephalopathy infantile subacute of Leigh; Leigh's syndrome; Leigh Disease; LEIGH SYNDROME, NUCLEAR; Leigh's necrotizing encephalopathy. Identifiers: Orphanet 506, MedGen C2931891, MONDO:0009723, OMIM 256000.

Allele frequency attached by ClinVar (database versions not stated): TOPMed 0.00012; 1000 Genomes Project 30x 0.00016; gnomAD 0.00016 and 0.00020; 1000 Genomes Project 0.00020; ExAC 0.00030; gnomAD exomes 0.00031.
gnomAD v4.1: 471 of 1,614,228 alleles (0.029%); highest among the groups gnomAD compares: South Asian, 0.18%; 1 homozygote.

Submissions (7):

Labcorp Genetics (formerly Invitae), Labcorp
Classification: Likely benign for Leigh syndrome. Last evaluated: 2026-01-26. Review status: criteria provided, single submitter. Criteria: Invitae Variant Classification Sherloc (09022015). Collection method: clinical testing. Allele origin: germline.

Women's Health and Genetics/Laboratory Corporation of America, LabCorp
Classification: Likely benign. Last evaluated: 2025-10-22. Review status: criteria provided, single submitter. Criteria: LabCorp Variant Classification Summary - May 2015. Collection method: clinical testing. Allele origin: germline.
Comment: Variant summary: SURF1 c.745A>G (p.Asn249Asp) results in a conservative amino acid change in the encoded protein sequence. Algorithms developed to predict the effect of missense changes on protein structure and function all suggest that this variant is likely to be tolerated. The variant allele was found at a frequency of 0.00031 in 251470 control chromosomes, predominantly at a frequency of 0.0018 within the South Asian subpopulation in the gnomAD database. The observed variant frequency within South Asian control individuals in the gnomAD database exceeds the estimated maximal expected allele frequency for disease-causing variants in SURF1. c.745A>G has been observed in individual(s) affected with Leigh syndrome or mitochondrial disorders (Mani_2020, Wang_2011) without strong evidence for causality. These report(s) do not provide unequivocal conclusions about association of the variant with SURF1-related conditions. At least one publication reports experimental evidence evaluating an impact on protein function. These results showed no damaging effect of this variant (Mani_2020). The following publications have been ascertained in the context of this evaluation (PMID: 32380162, 20843780). ClinVar contains an entry for this variant (Variation ID: 215226). Based on the evidence outlined above, the variant was classified as likely benign.

GeneDx
Classification: Likely benign. Last evaluated: 2021-03-12. Review status: criteria provided, single submitter. Criteria: GeneDx Variant Classification Process June 2021. Collection method: clinical testing. Allele origin: germline. Affected: yes.
Comment: This variant is associated with the following publications: (PMID: 32380162)

Illumina Laboratory Services, Illumina
Classification: Uncertain significance for Leigh syndrome. Last evaluated: 2017-04-27. Review status: criteria provided, single submitter. Criteria: ICSL Variant Classification Criteria 13 December 2019. Collection method: clinical testing. Allele origin: germline.
Comment: This variant was observed as part of a predisposition screen in an ostensibly healthy population. A literature search was performed for the gene, cDNA change, and amino acid change (where applicable). Publications were found based on this search. However, the evidence from the literature, in combination with allele frequency data from public databases where available, was not sufficient to rule this variant in or out of causing disease. Therefore, this variant is classified as a variant of unknown significance.

Clinical Genetics DNA and cytogenetics Diagnostics Lab, Erasmus MC, Erasmus Medical Center
Classification: Uncertain significance. Review status: no assertion criteria provided. Collection method: clinical testing. Allele origin: germline. Affected: yes. Study: VKGL Data-share Consensus. Not counted in ClinVar's aggregate classification.

Clinical Genetics, Academic Medical Center
Classification: Uncertain significance. Review status: no assertion criteria provided. Collection method: clinical testing. Allele origin: germline. Affected: yes. Study: VKGL Data-share Consensus. Not counted in ClinVar's aggregate classification.

Genome Diagnostics Laboratory, University Medical Center Utrecht
Classification: Uncertain significance. Review status: no assertion criteria provided. Collection method: clinical testing. Allele origin: germline. Affected: yes. Study: VKGL Data-share Consensus. Not counted in ClinVar's aggregate classification.

Literature cited by the submitters: PubMed 20843780 (cited by Women's Health and Genetics/Laboratory Corporation of America, LabCorp and Illumina Laboratory Services, Illumina); PubMed 32380162 (cited by Women's Health and Genetics/Laboratory Corporation of America, LabCorp).

NM_003172.4(SURF1):c.745A>G (p.Asn249Asp)

Gene: SURF1 (SURF1 cytochrome c oxidase assembly factor; minus strand). Cytogenetic location: 9q34.2.
Variant type: single nucleotide variant.
Coding change: c.745A>G on transcript NM_003172.4 (MANE Select); coding-DNA position 745, A replaced by G.
Protein change: p.Asn249Asp; replaces asparagine 249 with aspartic acid.
Molecular consequence: missense variant.
Genome position (GRCh38, 1-based): chr9:133,352,452, T>C on the plus strand (A>G on the coding strand, the complement: SURF1 is on the minus strand). VCF-style: chr9-133352452-T-C. GRCh37 (hg19) VCF-style: chr9-136219307-T-C.
Other names: p.N249D:AAC>GAC; c.418A>G, p.Asn140Asp (NM_001280787.1); short protein forms N249D, N140D.
Identifiers: ClinVar variation 215226 (VCV000215226.19), dbSNP rs587669420, ClinGen allele CA322228.